The following is an entry in ClinVar:

NM_017755.6(NSUN2):c.790C>T (p.Arg264Ter)

Gene: NSUN2 (NOP2/Sun RNA methyltransferase 2; minus strand). Cytogenetic location: 5p15.31.
Variant type: single nucleotide variant.
Coding change: c.790C>T on transcript NM_017755.6 (MANE Select); coding-DNA position 790, C replaced by T.
Protein change: p.Arg264Ter; replaces arginine 264 with a stop codon.
Molecular consequence: nonsense. On other transcripts: non-coding transcript variant (1).
Genome position (GRCh38, 1-based): chr5:6,620,131, G>A on the plus strand (C>T on the coding strand, the complement: NSUN2 is on the minus strand). VCF-style: chr5-6620131-G-A. GRCh37 (hg19) VCF-style: chr5-6620244-G-A.
Other names: c.685C>T, p.Arg229Ter (NM_001193455.2); short protein forms R229*, R264*.
Identifiers: ClinVar variation 1203937 (VCV001203937.14), dbSNP rs868442196, ClinGen allele CA113737445.

ClinVar aggregate classification (germline): Pathogenic/Likely pathogenic. Review status: criteria provided, multiple submitters, no conflicts (2 of 4 stars). 4 submissions from 4 submitters: Pathogenic (2); Likely pathogenic (2). Last evaluated 2024-12-30.

Conditions:
Autosomal recessive non-syndromic intellectual disability. Also called: Mental retardation, autosomal recessive. Identifiers: Orphanet 88616, MedGen C5680181, MONDO:0019502.
Inborn genetic diseases. Identifiers: MedGen C0950123, MeSH D030342.

Allele frequency attached by ClinVar (database versions not stated): TOPMed 0.00002.

Submissions (4):

GeneDx
Classification: Likely pathogenic. Last evaluated: 2024-12-30. Review status: criteria provided, single submitter. Criteria: GeneDx Variant Classification Process June 2021. Collection method: clinical testing. Allele origin: germline. Affected: yes.
Comment: Nonsense variant predicted to result in protein truncation or nonsense mediated decay in a gene for which loss of function is a known mechanism of disease; Has not been previously published as pathogenic or benign to our knowledge

Labcorp Genetics (formerly Invitae), Labcorp
Classification: Pathogenic. Last evaluated: 2023-08-17. Review status: criteria provided, single submitter. Criteria: Invitae Variant Classification Sherloc (09022015). Collection method: clinical testing. Allele origin: germline.
Comment: For these reasons, this variant has been classified as Pathogenic. ClinVar contains an entry for this variant (Variation ID: 1203937). This variant has not been reported in the literature in individuals affected with NSUN2-related conditions. The frequency data for this variant in the population databases is considered unreliable, as metrics indicate poor data quality at this position in the gnomAD database. This sequence change creates a premature translational stop signal (p.Arg264*) in the NSUN2 gene. It is expected to result in an absent or disrupted protein product. Loss-of-function variants in NSUN2 are known to be pathogenic (PMID: 22541559, 22577224).

Women's Health and Genetics/Laboratory Corporation of America, LabCorp
Classification: Likely pathogenic for Autosomal recessive non-syndromic intellectual disability. Last evaluated: 2023-03-13. Review status: criteria provided, single submitter. Criteria: LabCorp Variant Classification Summary - May 2015. Collection method: clinical testing. Allele origin: germline.
Comment: Variant summary: NSUN2 c.790C>T (p.Arg264X) results in a premature termination codon, predicted to cause a truncation of the encoded protein or absence of the protein due to nonsense mediated decay, which are commonly known mechanisms for disease. The variant allele was found at a frequency of 8.5e-06 in 236618 control chromosomes (gnomAD). To our knowledge, no occurrence of c.790C>T in individuals affected with Autosomal Recessive Mental Retardation and no experimental evidence demonstrating its impact on protein function have been reported. Two clinical diagnostic laboratories have submitted clinical-significance assessments for this variant to ClinVar after 2014. One laboratory classified the variant as pathogenic, and one laboratory classified the variant as uncertain significance. Based on the evidence outlined above, the variant was classified as likely pathogenic.

Ambry Genetics
Classification: Pathogenic for Inborn genetic diseases. Last evaluated: 2020-01-24. Review status: criteria provided, single submitter. Criteria: Ambry Variant Classification Scheme 2023. Collection method: clinical testing. Allele origin: germline.
Comment: The p.R264* pathogenic mutation (also known as c.790C>T), located in coding exon 7 of the NSUN2 gene, results from a C to T substitution at nucleotide position 790. This changes the amino acid from an arginine to a stop codon within coding exon 7. This alteration is expected to result in loss of function by premature protein truncation or nonsense-mediated mRNA decay. As such, this alteration is interpreted as a disease-causing mutation.

Literature cited by the submitters: PubMed 22541559 (cited by Labcorp Genetics (formerly Invitae), Labcorp); PubMed 22577224 (cited by Labcorp Genetics (formerly Invitae), Labcorp).